The following is an entry in ClinVar:

ClinVar aggregate classification (germline): Uncertain significance (1 of 4 stars; one submission).

Submission:

Women's Health and Genetics/Laboratory Corporation of America, LabCorp
Classification: Uncertain significance. Last evaluated: 2026-05-20. Review status: criteria provided, single submitter. Criteria: LabCorp Variant Classification Summary - May 2015. Collection method: clinical testing. Allele origin: germline.
Comment: Variant summary: FMN2 c.2807C>G (p.Pro936Arg) results in a non-conservative amino acid change in the encoded protein sequence. Algorithms developed to predict the effect of missense changes on protein structure and function are either unavailable or do not agree on the potential impact of this missense change. The variant allele was found at a frequency of 4.2e-06 in 236968 control chromosomes. The available data on variant occurrences in the general population are insufficient to allow any conclusion about variant significance. To our knowledge, no occurrence of c.2807C>G in individuals affected with FMN2-related conditions and no experimental evidence demonstrating its impact on protein function have been reported. No submitters have cited clinical-significance assessments for this variant to ClinVar. Based on the evidence outlined above, the variant was classified as uncertain significance.

NM_020066.5(FMN2):c.2807C>G (p.Pro936Arg)

Gene: FMN2 (formin 2; plus strand). Cytogenetic location: 1q43.
Variant type: single nucleotide variant.
Coding change: c.2807C>G on transcript NM_020066.5 (MANE Select); coding-DNA position 2807, C replaced by G.
Protein change: p.Pro936Arg; replaces proline 936 with arginine.
Molecular consequence: missense variant. On other transcripts: intron variant (1).
Genome position (GRCh38, 1-based): chr1:240,207,619, C>G. VCF-style: chr1-240207619-C-G. GRCh37 (hg19) VCF-style: chr1-240370919-C-G.
Other names: c.2819C>G, p.Pro940Arg (NM_001305424.2); c.1986+19357C>G (NM_001348094.2); short protein forms P936R, P940R.
Identifiers: ClinVar variation 4853768 (VCV004853768.1).
Genomic context (GRCh38, chr1:240,207,619, plus strand): 5'-CCGGAGCGGGCATACCTCCTCCGCCGCCTCTACCCGGAGCAGGCATACTCCCTCTGCCCC[C>G]TCTACCCGGAGCGGGAATACCTCCTCCGCCCCCTCTACCCGGAGCGGCAATACCCCCTCC-3'
Protein context (NP_064450.3, residues 926-946): LPGAGILPLP[Pro936Arg]LPGAGIPPPP